The following is an entry in ClinVar:

ClinVar aggregate classification (germline): Likely benign (1 of 4 stars; one submission).

Submission:

CeGaT Center for Human Genetics Tuebingen
Classification: Likely benign. Last evaluated: 2025-06-01. Review status: criteria provided, single submitter. Criteria: CeGaT Center For Human Genetics Tuebingen Variant Classification Criteria Version 2. Collection method: clinical testing. Allele origin: germline. Affected: yes. Observed: 1 variant allele.
Comment: VCX: BP4, BP7

NM_001393662.1(VCX):c.189G>C (p.Thr63=)

Gene: VCX (variable charge X-linked; plus strand). Cytogenetic location: Xp22.31.
Variant type: single nucleotide variant.
Coding change: c.189G>C on transcript NM_001393662.1 (MANE Select); coding-DNA position 189, G replaced by C.
Protein change: p.Thr63=; no amino-acid change (threonine 63 retained).
Molecular consequence: synonymous variant.
Genome position (GRCh38, 1-based): chrX:7,843,584, G>C. VCF-style: chrX-7843584-G-C. GRCh37 (hg19) VCF-style: chrX-7811625-G-C.
Other names: c.189G>C, p.Thr63= (NM_013452.3).
Identifiers: ClinVar variation 3905275 (VCV003905275.10).